The following is an entry in ClinVar:

ClinVar aggregate classification (germline): Uncertain significance (1 of 4 stars; one submission).

Submission:

Labcorp Genetics (formerly Invitae), Labcorp
Classification: Uncertain significance. Last evaluated: 2023-07-21. Review status: criteria provided, single submitter. Criteria: Invitae Variant Classification Sherloc (09022015). Collection method: clinical testing. Allele origin: germline.
Comment: In summary, the available evidence is currently insufficient to determine the role of this variant in disease. Therefore, it has been classified as a Variant of Uncertain Significance. Advanced modeling of protein sequence and biophysical properties (such as structural, functional, and spatial information, amino acid conservation, physicochemical variation, residue mobility, and thermodynamic stability) performed at Invitae indicates that this missense variant is not expected to disrupt COL7A1 protein function. This variant has not been reported in the literature in individuals affected with COL7A1-related conditions. This variant is not present in population databases (gnomAD no frequency). This sequence change replaces leucine, which is neutral and non-polar, with phenylalanine, which is neutral and non-polar, at codon 2576 of the COL7A1 protein (p.Leu2576Phe).

NM_000094.4(COL7A1):c.7728G>T (p.Leu2576Phe)

Gene: COL7A1 (collagen type VII alpha 1 chain; minus strand). Cytogenetic location: 3p21.31.
Variant type: single nucleotide variant.
Coding change: c.7728G>T on transcript NM_000094.4 (MANE Select); coding-DNA position 7728, G replaced by T.
Protein change: p.Leu2576Phe; replaces leucine 2576 with phenylalanine.
Molecular consequence: missense variant.
Genome position (GRCh38, 1-based): chr3:48,568,814, C>A on the plus strand (G>T on the coding strand, the complement: COL7A1 is on the minus strand). VCF-style: chr3-48568814-C-A. GRCh37 (hg19) VCF-style: chr3-48606247-C-A.
Other names: short protein forms L2576F.
Identifiers: ClinVar variation 2867227 (VCV002867227.3), dbSNP rs2530838068, ClinGen allele CA352643026.